The following is an entry in ClinVar:

NM_003801.4(GPAA1):c.1258C>T (p.Gln420Ter)

Gene: GPAA1 (glycosylphosphatidylinositol anchor attachment 1; plus strand). Cytogenetic location: 8q24.3.
Variant type: single nucleotide variant.
Coding change: c.1258C>T on transcript NM_003801.4 (MANE Select); coding-DNA position 1258, C replaced by T.
Protein change: p.Gln420Ter; replaces glutamine 420 with a stop codon.
Molecular consequence: nonsense.
Genome position (GRCh38, 1-based): chr8:144,085,136, C>T. VCF-style: chr8-144085136-C-T. GRCh37 (hg19) VCF-style: chr8-145140039-C-T.
Other names: short protein forms Q420*.
Identifiers: ClinVar variation 1335932 (VCV001335932.4), dbSNP rs2129946524, ClinGen allele CA372502995.

ClinVar aggregate classification (germline): Likely pathogenic (1 of 4 stars; one submission).

Submission:

Genetic Services Laboratory, University of Chicago
Classification: Likely pathogenic. Last evaluated: 2018-10-22. Review status: criteria provided, single submitter. Criteria: ACMG Guidelines, 2015. Collection method: clinical testing. Allele origin: germline. Affected: yes.
Comment: DNA sequence analysis of the GPAA1 gene demonstrated a sequence change, c.1258C>T, which results in the creation of a premature stop codon at amino acid position 420, p.Gln420*. This likely pathogenic sequence change is predicted to result in an abnormal transcript, which may be degraded, or may lead to the production of a truncated GPAA1 protein with potentially abnormal function. This sequence change has not been described as a known benign sequence change in the GPAA1 gene. This likely pathogenic sequence change has also not been previously described in a patient with GPAA1-related disorder but other variants in this gene have been reported in a recent paper in the context of developmental delay, epilepsy, cerebellar atrophy and Osteopenia (Nguyen et al., 2017). This likely pathogenic sequence change in the heterozygous state is not sufficient to cause ataxia phenotype, however if present with a second pathogenic change in the GPAA1 gene could cause ataxia.